The following continues an entry in ClinVar:

NM_004369.4(COL6A3):c.7447A>G (p.Lys2483Glu)

Gene: COL6A3. ClinVar aggregate classification (germline): Pathogenic/Likely pathogenic. Pathogenic (7); Likely pathogenic (11).

Submissions 10 to 22 of 22:

Illumina Laboratory Services, Illumina
Classification: Likely pathogenic for COL6A3-related disorders. Last evaluated: 2023-05-24. Review status: criteria provided, single submitter. Criteria: ICSLVariantClassificationCriteria RUGD 01 April 2020. Collection method: clinical testing. Allele origin: unknown.

Neurometabolic Diseases Laboratory, Bellvitge Biomedical Research Institute (IDIBELL)
Classification: Likely pathogenic for COL6A3-related disorders. Last evaluated: 2023-04-27. Review status: criteria provided, single submitter. Criteria: ACMG Guidelines, 2015. Collection method: research. Allele origin: germline. Affected: yes.

Pittsburgh Clinical Genomics Laboratory, University of Pittsburgh Medical Center
Classification: Likely pathogenic for Dystonia 27. Last evaluated: 2022-08-19. Review status: criteria provided, single submitter. Criteria: ACMG Guidelines, 2015. Collection method: clinical testing. Allele origin: germline. Inheritance: Autosomal recessive inheritance. Affected: yes.
Comment: This sequence variant is a single nucleotide substitution (A>G) at coding nucleotide 7447 in the COL6A3 gene which results in a lysine to glutamic acid amino acid change at residue 2483 in the COL6A3 protein. This is a previously reported variant (ClinVar) which has been observed in homozygous or compound heterozygous state in several individuals with neuromuscular disorders (PMID: 20976770, 32528171, 32448721, 32403337, 29970176, 28688748, 26247046); in most homozygous cases, the neuromuscular disorders were described as mild with preserved ambulation. This variant is present in 170/282838 alleles (0.06011%), including 1 homozygote, in the gnomAD control population dataset. Structural alysis suggests that this amino acid change will alter the ability of COL6A3 protein to interact with binding targets (PMID: 32448721). Multiple bioinformatic tools predict that this amino acid change will be damaging, and the Lys2483 residue is highly conserved in vertebrates. Functiol studies assessing the effect of this variant on protein structure or activity have not been performed, to our knowledge. Based on the available evidence, we consider this variant to be likely pathogenic. ACMG Criteria: BP1, PM3, PP3, PS4

Clinical Genetics Laboratory, Skane University Hospital Lund
Classification: Likely pathogenic. Last evaluated: 2022-05-27. Review status: criteria provided, single submitter. Criteria: ACMG Guidelines, 2015. Collection method: clinical testing. Allele origin: germline. Affected: yes.

Mendelics
Classification: Pathogenic for Bethlem myopathy 1A. Last evaluated: 2022-05-04. Review status: criteria provided, single submitter. Criteria: Mendelics Assertion Criteria 2019. Collection method: clinical testing. Allele origin: germline.

CeGaT Center for Human Genetics Tuebingen
Classification: Likely pathogenic. Last evaluated: 2021-09-01. Review status: criteria provided, single submitter. Criteria: CeGaT Center For Human Genetics Tuebingen Variant Classification Criteria Version 2. Collection method: clinical testing. Allele origin: germline. Affected: yes. Observed: 1 variant allele.

Institute of Human Genetics Munich, TUM University Hospital
Classification: Likely pathogenic for Bethlem myopathy 1A. Last evaluated: 2020-01-14. Review status: criteria provided, single submitter. Criteria: Classification criteria August 2017. Collection method: clinical testing. Allele origin: germline. Inheritance: Autosomal recessive inheritance. Affected: yes. Observed: 1 homozygote.

Eurofins Ntd Llc (ga)
Classification: Pathogenic. Last evaluated: 2017-04-05. Review status: criteria provided, single submitter. Criteria: EGL Classification Definitions. Collection method: clinical testing. Allele origin: germline. Observed: 11 variant alleles, 11 heterozygotes.

Clinical Genetics and Genomics, Karolinska University Hospital
Classification: Likely pathogenic. Last evaluated: 2016-02-02. Review status: criteria provided, single submitter. Criteria: ACMG Guidelines, 2015. Collection method: clinical testing. Allele origin: germline. Affected: yes. Observed: 2 variant alleles.

OMIM
Classification: Pathogenic for BETHLEM MYOPATHY 1C, AUTOSOMAL RECESSIVE. Last evaluated: 2024-07-15. Review status: no assertion criteria provided. Collection method: literature only. Allele origin: germline. Not counted in ClinVar's aggregate classification.

Clinical Genetics Laboratory, University Hospital Schleswig-Holstein
Classification: Pathogenic for Bethlem myopathy 1A. Last evaluated: 2023-12-22. Review status: no assertion criteria provided. Collection method: clinical testing. Allele origin: germline. Affected: yes. Not counted in ClinVar's aggregate classification.

Clinical Genetics, Academic Medical Center
Classification: Uncertain significance. Review status: flagged submission. Collection method: clinical testing. Allele origin: germline. Affected: yes. Study: VKGL Data-share Consensus. Not counted in ClinVar's aggregate classification.
ClinVar note: Reason: Outlier claim with insufficient supporting evidence

Genome Diagnostics Laboratory, Amsterdam University Medical Center
Classification: Uncertain significance. Review status: flagged submission. Collection method: clinical testing. Allele origin: germline. Affected: yes. Study: VKGL Data-share Consensus. Not counted in ClinVar's aggregate classification.
ClinVar note: Reason: Outlier claim with insufficient supporting evidence

Literature cited by the submitters: PubMed 30564623 (cited by Women's Health and Genetics/Laboratory Corporation of America, LabCorp); PubMed 29970176 (cited by 4 submitters); PubMed 28688748 (cited by 4 submitters); PubMed 20976770 (cited by 4 submitters); PubMed 26247046 (cited by 4 submitters); PubMed 33749658 (cited by 3 submitters); PubMed 35239206 (cited by Women's Health and Genetics/Laboratory Corporation of America, LabCorp); PubMed 32403337 (cited by 3 submitters); PubMed 32448721 (cited by 3 submitters); PubMed 32528171 (cited by 3 submitters); PubMed 33596003 (cited by Labcorp Genetics (formerly Invitae), Labcorp); PubMed 30706156 (cited by OMIM); Hamosh, A. Personal Communication. 2024. Baltimore, Md. (cited by OMIM).